The following is an entry in ClinVar:

ClinVar aggregate classification (germline): Uncertain significance (1 of 4 stars; one submission).

Submission:

Ambry Genetics
Classification: Uncertain significance. Last evaluated: 2021-12-27. Review status: criteria provided, single submitter. Criteria: Ambry Variant Classification Scheme 2023. Collection method: clinical testing. Allele origin: germline.
Comment: The c.541+3G>T intronic variant results from a G to T substitution 3 nucleotides after coding exon 2 in the GALNT12 gene. This nucleotide position is poorly conserved in available vertebrate species. In silico splice site analysis predicts that this alteration will not have any significant effect on splicing. The evidence for this gene-disease relationship is limited; therefore, the clinical significance of this alteration is unclear.

NM_024642.5(GALNT12):c.541+3G>T

Gene: GALNT12 (polypeptide N-acetylgalactosaminyltransferase 12; plus strand). Cytogenetic location: 9q22.33.
Variant type: single nucleotide variant.
Coding change: c.541+3G>T on transcript NM_024642.5 (MANE Select); 3 bases into the intron after coding-DNA position 541, G replaced by T.
Molecular consequence: intron variant.
Genome position (GRCh38, 1-based): chr9:98,823,428, G>T. VCF-style: chr9-98823428-G-T. GRCh37 (hg19) VCF-style: chr9-101585710-G-T.
Identifiers: ClinVar variation 1747377 (VCV001747377.2), dbSNP rs2490492932, ClinGen allele CA2553785123.